The following is an entry in ClinVar:

ClinVar aggregate classification (germline): Uncertain significance (1 of 4 stars; one submission).

Conditions:
Epidermolysis bullosa simplex 3, localized or generalized intermediate, with BP230 deficiency (EBS3). Also called: Epidermolysis bullosa simplex, autosomal recessive 2; Epidermolysis bullosa simplex due to BP230 deficiency. Identifiers: Orphanet 412181, MedGen C3809470, MONDO:0014180, OMIM 615425.
Hereditary sensory and autonomic neuropathy type 6. Also called: HSAN VI; Neuropathy, hereditary sensory and autonomic, type VI. Identifiers: Orphanet 314381, MedGen C3539003, MONDO:0013839, OMIM 614653.

Submission:

Labcorp Genetics (formerly Invitae), Labcorp
Classification: Uncertain significance for Epidermolysis bullosa simplex 3, localized or generalized intermediate, with BP230 deficiency; Hereditary sensory and autonomic neuropathy type 6. Last evaluated: 2021-02-04. Review status: criteria provided, single submitter. Criteria: Invitae Variant Classification Sherloc (09022015). Collection method: clinical testing. Allele origin: germline.
Comment: This variant has not been reported in the literature in individuals with DST-related conditions. Algorithms developed to predict the effect of missense changes on protein structure and function are either unavailable or do not agree on the potential impact of this missense change (SIFT: "Deleterious"; PolyPhen-2: "Probably Damaging"; Align-GVGD: "Class C0"). In summary, the available evidence is currently insufficient to determine the role of this variant in disease. Therefore, it has been classified as a Variant of Uncertain Significance. This sequence change replaces leucine with isoleucine at codon 80 of the DST protein (p.Leu80Ile). The leucine residue is highly conserved and there is a small physicochemical difference between leucine and isoleucine. This variant is not present in population databases (ExAC no frequency).

NM_001374736.1(DST):c.1849C>A (p.Leu617Ile)

Gene: DST (dystonin; minus strand). Cytogenetic location: 6p12.1.
Variant type: single nucleotide variant.
Coding change: c.1849C>A on transcript NM_001374736.1 (MANE Select); coding-DNA position 1849, C replaced by A.
Protein change: p.Leu617Ile; replaces leucine 617 with isoleucine.
Molecular consequence: missense variant.
Genome position (GRCh38, 1-based): chr6:56,642,433, G>T on the plus strand (C>A on the coding strand, the complement: DST is on the minus strand). VCF-style: chr6-56642433-G-T. GRCh37 (hg19) VCF-style: chr6-56507231-G-T.
Other names: c.1750C>A, p.Leu584Ile (NM_001144769.5); c.1336C>A, p.Leu446Ile (NM_001144770.2); c.1849C>A, p.Leu617Ile (NM_001374722.1); c.1216C>A, p.Leu406Ile (NM_001374729.1, NM_001374730.1, NM_001386100.1 and 1 more transcripts); c.1876C>A, p.Leu626Ile (NM_001374734.1); c.238C>A, p.Leu80Ile (NM_001723.7, NM_015548.5); short protein forms L584I, L626I, L80I, L406I, L617I, L446I.
Identifiers: ClinVar variation 1407306 (VCV001407306.8), dbSNP rs2152781475, ClinGen allele CA364615217.
Genomic context (GRCh38, chr6:56,642,433, plus strand): 5'-TCTACCACAACCCCAATGGCTCCTAAAATTAACTTACAGACTGAAGAGCATTTCCAGCAA[G>T]AATCAGTTTGTCTTCACAGATGACACTGTCCCTCTGAACTCTGTTGGCAATCTGTTGCAA-3'
Protein context (NP_001361665.1, residues 607-627): DSVICEDKLI[Leu617Ile]AGNALQSDSK